The following is an entry in ClinVar:

NM_000484.4(APP):c.2271C>T (p.Tyr757=)

Gene: APP (amyloid beta precursor protein; minus strand). Cytogenetic location: 21q21.3.
Variant type: single nucleotide variant.
Coding change: c.2271C>T on transcript NM_000484.4 (MANE Select); coding-DNA position 2271, C replaced by T.
Protein change: p.Tyr757=; no amino-acid change (tyrosine 757 retained).
Molecular consequence: synonymous variant.
Genome position (GRCh38, 1-based): chr21:25,881,712, G>A on the plus strand (C>T on the coding strand, the complement: APP is on the minus strand). VCF-style: chr21-25881712-G-A. GRCh37 (hg19) VCF-style: chr21-27254023-G-A.
Other names: c.2271C>T (NM_000484.3); c.2199C>T, p.Tyr733= (NM_001136016.3); c.1878C>T, p.Tyr626= (NM_001136129.3); c.2103C>T, p.Tyr701= (NM_001136130.3, NM_001385253.1); c.1941C>T, p.Tyr647= (NM_001136131.3); c.2217C>T, p.Tyr739= (NM_001204301.2); c.2160C>T, p.Tyr720= (NM_001204302.2); c.1992C>T, p.Tyr664= (NM_001204303.2); and 2 more.
Identifiers: ClinVar variation 1936980 (VCV001936980.7), dbSNP rs774518756, ClinGen allele CA9987014.

ClinVar aggregate classification (germline): Likely benign. Review status: criteria provided, single submitter (1 of 4 stars). 2 submissions from 2 submitters: Likely benign (1). 1 of the submissions does not count toward it. Last evaluated 2022-05-18.

Conditions:
Alzheimer disease. Also called: Presenile and senile dementia; Alzheimer's disease. Identifiers: Orphanet 1020, MedGen C0002395, MeSH D000544, MONDO:0004975, HP:0002511.
APP-related disorder. Also called: APP-related condition.

Allele frequency attached by ClinVar (database versions not stated): gnomAD exomes 0.00002; gnomAD 0.00003; ExAC 0.00004; TOPMed 0.00004.
gnomAD v4.1: 32 of 1,613,842 alleles (0.002%); highest among the groups gnomAD compares: East Asian, 0.0089%; no homozygotes.

Submissions (2):

Labcorp Genetics (formerly Invitae), Labcorp
Classification: Likely benign for Alzheimer disease. Last evaluated: 2022-05-18. Review status: criteria provided, single submitter. Criteria: Invitae Variant Classification Sherloc (09022015). Collection method: clinical testing. Allele origin: germline.

PreventionGenetics, part of Exact Sciences
Classification: Likely benign for APP-related condition. Last evaluated: 2019-05-23. Review status: no assertion criteria provided. Collection method: clinical testing. Allele origin: germline. Not counted in ClinVar's aggregate classification.
Comment: This variant is classified as likely benign based on ACMG/AMP sequence variant interpretation guidelines (Richards et al. 2015 PMID: 25741868, with internal and published modifications).